The following is an entry in ClinVar:

ClinVar aggregate classification (germline): Uncertain significance (1 of 4 stars; one submission).

Conditions:
Marinesco-Sjögren syndrome (MSS). Also called: Marinesco-SjÃ¶gren syndrome; Marinesco-Sjogren Syndrome. Identifiers: Orphanet 559, MedGen C0024814, MONDO:0009567, OMIM 248800.

Submission:

Labcorp Genetics (formerly Invitae), Labcorp
Classification: Uncertain significance for Marinesco-Sjögren syndrome. Last evaluated: 2023-06-24. Review status: criteria provided, single submitter. Criteria: Invitae Variant Classification Sherloc (09022015). Collection method: clinical testing. Allele origin: germline.
Comment: This sequence change replaces serine, which is neutral and polar, with threonine, which is neutral and polar, at codon 224 of the SIL1 protein (p.Ser224Thr). This variant is not present in population databases (gnomAD no frequency). This variant has not been reported in the literature in individuals affected with SIL1-related conditions. Advanced modeling of protein sequence and biophysical properties (such as structural, functional, and spatial information, amino acid conservation, physicochemical variation, residue mobility, and thermodynamic stability) performed at Invitae indicates that this missense variant is not expected to disrupt SIL1 protein function. In summary, the available evidence is currently insufficient to determine the role of this variant in disease. Therefore, it has been classified as a Variant of Uncertain Significance.

NM_022464.5(SIL1):c.670T>A (p.Ser224Thr)

Gene: SIL1 (SIL1 nucleotide exchange factor; minus strand). Cytogenetic location: 5q31.2.
Variant type: single nucleotide variant.
Coding change: c.670T>A on transcript NM_022464.5 (MANE Select); coding-DNA position 670, T replaced by A.
Protein change: p.Ser224Thr; replaces serine 224 with threonine.
Molecular consequence: missense variant.
Genome position (GRCh38, 1-based): chr5:139,021,268, A>T on the plus strand (T>A on the coding strand, the complement: SIL1 is on the minus strand). VCF-style: chr5-139021268-A-T. GRCh37 (hg19) VCF-style: chr5-138356957-A-T.
Other names: c.670T>A, p.Ser224Thr (NM_001037633.2); short protein forms S224T.
Identifiers: ClinVar variation 2727440 (VCV002727440.3), dbSNP rs2546340473, ClinGen allele CA361134198.